The following is an entry in ClinVar:

NM_001876.4(CPT1A):c.-49TGCCGC[1]

Gene: CPT1A (carnitine palmitoyltransferase 1A; minus strand). Cytogenetic location: 11q13.3.
Variant type: Microsatellite.
Coding change: c.-49TGCCGC[1] on transcript NM_001876.4 (MANE Select); one copy of the 6-base unit TGCCGC starting at c.-49; the reference has three copies in a row; two copies, 12 bases deleted.
Molecular consequence: 5 prime UTR variant.
Genome position (GRCh38, 1-based): chr11:68,841,793-68,841,804, GCGGCAGCGGCA deleted on the plus strand (TGCCGCTGCCGC on the coding strand, the reverse complement: CPT1A is on the minus strand); deleting any 12 consecutive bases within chr11:68,841,793-68,841,815 gives the same sequence; the position shown is the placement nearest the transcript's 3' end. VCF-style (leftmost placement, unchanged base first): chr11-68841792-TGCGGCAGCGGCA-T. GRCh37 (hg19) VCF-style: chr11-68609260-TGCGGCAGCGGCA-T.
Other names: c.-49TGCCGC[1] (NM_001031847.3).
Identifiers: ClinVar variation 512780 (VCV000512780.1), dbSNP rs528519032, ClinGen allele CA599983328.
Genomic context (GRCh38, chr11:68,841,792, plus strand): 5'-GGCCGCCCCGCCACCCTCCCCACCGCGGGCGACCGGGCCTCACCGAGTCAGCTACGGAGG[TGCGGCAGCGGCA>T]GCGGCAGCGGCGGCGGCGGCGGCGGCGGTGGAGTGAACGAGCGGCGAGCGGGAGCCGGGG-3'

ClinVar aggregate classification (germline): Likely benign (1 of 4 stars; one submission).

Submission:

GeneDx
Classification: Likely benign. Last evaluated: 2017-11-02. Review status: criteria provided, single submitter. Criteria: GeneDx Variant Classification (06012015). Collection method: clinical testing. Allele origin: germline. Affected: yes.
Comment: This variant is considered likely benign or benign based on one or more of the following criteria: it is a conservative change, it occurs at a poorly conserved position in the protein, it is predicted to be benign by multiple in silico algorithms, and/or has population frequency not consistent with disease.